The following is an entry in ClinVar:

NM_000083.3(CLCN1):c.966G>C (p.Trp322Cys)

Gene: CLCN1 (chloride voltage-gated channel 1; plus strand). Cytogenetic location: 7q34.
Variant type: single nucleotide variant.
Coding change: c.966G>C on transcript NM_000083.3 (MANE Select); coding-DNA position 966, G replaced by C.
Protein change: p.Trp322Cys; replaces tryptophan 322 with cysteine.
Molecular consequence: missense variant. On other transcripts: non-coding transcript variant (1).
Genome position (GRCh38, 1-based): chr7:143,330,884, G>C. VCF-style: chr7-143330884-G-C. GRCh37 (hg19) VCF-style: chr7-143027977-G-C.
Other names: short protein forms W322C.
Identifiers: ClinVar variation 2925978 (VCV002925978.3), dbSNP rs1441448091, ClinGen allele CA369641722.
Genomic context (GRCh38, chr7:143,330,884, plus strand): 5'-CTGGAGAGGATTCTTTGCAGCCACGTTCAGCGCCTTTGTGTTTCGAGTGCTGGCAGTGTG[G>C]AACAAGGATGCTGGTAACCAAGGAGGCCTTGGGTGGAGGCCATGTGAAATAGAAAAGCTG-3'
Protein context (NP_000074.3, residues 312-332): SAFVFRVLAV[Trp322Cys]NKDAVTITAL

ClinVar aggregate classification (germline): Uncertain significance (1 of 4 stars; one submission).

Conditions:
Congenital myotonia, autosomal dominant form (THD). Also called: THOMSEN DISEASE; Myotonia congenita autosomal dominant. Identifiers: Orphanet 614, MedGen C2936781, MONDO:0008055, OMIM 160800.
Congenital myotonia, autosomal recessive form. Also called: BECKER DISEASE; Becker Generalized Myotonia; myotonia congenita, autosomal recessive. Identifiers: Orphanet 614, MedGen C0751360, MONDO:0009715, OMIM 255700.

gnomAD v4.1: 9 of 1,614,208 alleles (0.00056%); highest among the groups gnomAD compares: Non-Finnish European, 0.00076%; no homozygotes.

Submission:

Labcorp Genetics (formerly Invitae), Labcorp
Classification: Uncertain significance for Congenital myotonia, autosomal recessive form; Congenital myotonia, autosomal dominant form. Last evaluated: 2023-11-20. Review status: criteria provided, single submitter. Criteria: Invitae Variant Classification Sherloc (09022015). Collection method: clinical testing. Allele origin: germline.
Comment: This sequence change replaces tryptophan, which is neutral and slightly polar, with cysteine, which is neutral and slightly polar, at codon 322 of the CLCN1 protein (p.Trp322Cys). This variant is not present in population databases (gnomAD no frequency). This variant has not been reported in the literature in individuals affected with CLCN1-related conditions. Advanced modeling of protein sequence and biophysical properties (such as structural, functional, and spatial information, amino acid conservation, physicochemical variation, residue mobility, and thermodynamic stability) performed at Invitae indicates that this missense variant is expected to disrupt CLCN1 protein function with a positive predictive value of 95%. In summary, the available evidence is currently insufficient to determine the role of this variant in disease. Therefore, it has been classified as a Variant of Uncertain Significance.